The following is an entry in ClinVar:

NM_000261.2(MYOC):c.532G>A (p.Ala178Thr)

Gene: MYOC (myocilin; minus strand). Cytogenetic location: 1q24.3.
Variant type: single nucleotide variant.
Coding change: c.532G>A on transcript NM_000261.2 (MANE Select); coding-DNA position 532, G replaced by A.
Protein change: p.Ala178Thr; replaces alanine 178 with threonine.
Molecular consequence: missense variant.
Genome position (GRCh38, 1-based): chr1:171,652,080, C>T on the plus strand (G>A on the coding strand, the complement: MYOC is on the minus strand). VCF-style: chr1-171652080-C-T. GRCh37 (hg19) VCF-style: chr1-171621220-C-T.
Other names: NM_000261.2:c.532G>A; short protein forms A178T.
Identifiers: ClinVar variation 2442265 (VCV002442265.2), dbSNP rs1381988697, ClinGen allele CA343718023.

ClinVar aggregate classification (germline): Uncertain significance (3 of 4 stars; one submission).

Conditions:
Open-angle glaucoma. Identifiers: MedGen C0017612, MONDO:0005338, HP:0012108.

Allele frequency attached by ClinVar (database versions not stated): TOPMed below 0.00001.

Submission:

ClinGen Glaucoma Variant Curation Expert Panel
Classification: Uncertain significance for Open-angle glaucoma. Last evaluated: 2026-01-12. Review status: reviewed by expert panel. Criteria: ClinGen Glaucoma ACMG Specifications V2.0.0 Approved. Collection method: curation. Allele origin: germline. Inheritance: Autosomal dominant inheritance.
Comment: The c.532G>A variant in MYOC is a missense variant predicted to cause substitution of Alanine by Threonine at amino acid 178 (p.Ala178Thr). This variant was not found in any genetic ancestry group of gnomAD (v4.1.0), meeting the ≤ 0.0001 threshold set for PM2_Supporting in a genetic ancestry group of at least 10,000 alleles. The REVEL score = 0.232, which is within the 0.184-0.290 range for BP4, suggesting that the variant does not impact MYOC function. There was no functional evidence predicting a damaging or benign impact of this variant on MYOC function. Only 1 proband with primary congenital glaucoma had been reported (ARVO Abstract), not meeting the ≥ 2 probands threshold required to meet PS4_Supporting. In summary, this variant met the criteria to receive a score of 0 and to be classified as a variant of uncertain significance (uncertain significance classification range -1 to 5, adapted from PMID: 32720330) for primary open angle glaucoma based on the ACMG/AMP criteria met, as specified by the ClinGen Glaucoma VCEP (v2.0.0, 5 Dec 2024): PM2_Supporting, BP4